The following is an entry in ClinVar:

NM_198578.4(LRRK2):c.2567C>T (p.Thr856Ile)

Gene: LRRK2 (leucine rich repeat kinase 2; plus strand). Cytogenetic location: 12q12.
Variant type: single nucleotide variant.
Coding change: c.2567C>T on transcript NM_198578.4 (MANE Select); coding-DNA position 2567, C replaced by T.
Protein change: p.Thr856Ile; replaces threonine 856 with isoleucine.
Molecular consequence: missense variant.
Genome position (GRCh38, 1-based): chr12:40,287,417, C>T. VCF-style: chr12-40287417-C-T. GRCh37 (hg19) VCF-style: chr12-40681219-C-T.
Other names: short protein forms T856I.
Identifiers: ClinVar variation 3229563 (VCV003229563.1), dbSNP rs2499679392, ClinGen allele CA384408711.

ClinVar aggregate classification (germline): Uncertain significance (1 of 4 stars; one submission).

Conditions:
Inborn genetic diseases. Identifiers: MedGen C0950123, MeSH D030342.

Submission:

Ambry Genetics
Classification: Uncertain significance for Inborn genetic diseases. Last evaluated: 2023-10-21. Review status: criteria provided, single submitter. Criteria: Ambry Variant Classification Scheme 2023. Collection method: clinical testing. Allele origin: germline.
Comment: The p.T856I variant (also known as c.2567C>T), located in coding exon 20 of the LRRK2 gene, results from a C to T substitution at nucleotide position 2567. The threonine at codon 856 is replaced by isoleucine, an amino acid with similar properties. This amino acid position is conserved. In addition, this alteration is predicted to be tolerated by in silico analysis. Since supporting evidence is limited at this time, the clinical significance of this alteration remains unclear.